The following is an entry in ClinVar:

NM_033380.3(COL4A5):c.609+1G>A

Gene: COL4A5 (collagen type IV alpha 5 chain; plus strand). Cytogenetic location: Xq22.3.
Variant type: single nucleotide variant.
Coding change: c.609+1G>A on transcript NM_033380.3 (MANE Select); the canonical splice donor site of the intron after coding-DNA position 609, G replaced by A.
Molecular consequence: splice donor variant.
Genome position (GRCh38, 1-based): chrX:108,575,973, G>A. VCF-style: chrX-108575973-G-A. GRCh37 (hg19) VCF-style: chrX-107819203-G-A.
Other names: c.609+1G>A (NM_000495.5).
Identifiers: ClinVar variation 1804103 (VCV001804103.3), dbSNP rs104886434, ClinGen allele CA258285.
Genomic context (GRCh38, chrX:108,575,973, plus strand): 5'-CTACCTGGTCCCACTGGTATACCAGGGCCAATTGGTCCCCCAGGACCACCAGGTTTGATG[G>A]TAAGCTCTCTTCTTTAATTTAATTTCCCCCCCTTTCCTTTCTGACTTCTTTCAGGAATAT-3'

ClinVar aggregate classification (germline): Pathogenic/Likely pathogenic. Review status: criteria provided, multiple submitters, no conflicts (2 of 4 stars). 3 submissions from 3 submitters: Pathogenic (2); Likely pathogenic (1). Last evaluated 2025-07-16.

Conditions:
X-linked Alport syndrome (ATS1). Also called: NEPHROPATHY AND DEAFNESS, X-LINKED; COL4A5-Related Nephropathy. Identifiers: Orphanet 63, Orphanet 88917, MedGen C4746986, MONDO:0010520, OMIM 301050.
COL4A5-related disorders.

Submissions (3):

Labcorp Genetics (formerly Invitae), Labcorp
Classification: Pathogenic. Last evaluated: 2025-07-16. Review status: criteria provided, single submitter. Criteria: Invitae Variant Classification Sherloc (09022015). Collection method: clinical testing. Allele origin: germline.
Comment: This sequence change affects a donor splice site in intron 10 of the COL4A5 gene. It is expected to disrupt RNA splicing. Variants that disrupt the donor or acceptor splice site typically lead to a loss of protein function (PMID: 16199547), and loss-of-function variants in COL4A5 are known to be pathogenic (PMID: 9195222, 10752524, 14514738, 24854265, 26809805). This variant is not present in population databases (gnomAD no frequency). Disruption of this splice site has been observed in individuals with Alport syndrome (PMID: 11462238, 36117978). This variant is also known as 811+1G>A. ClinVar contains an entry for this variant (Variation ID: 1804103). Algorithms developed to predict the effect of sequence changes on RNA splicing suggest that this variant may disrupt the consensus splice site. For these reasons, this variant has been classified as Pathogenic.

Institute of Human Genetics Munich, TUM University Hospital
Classification: Pathogenic for X-linked Alport syndrome. Last evaluated: 2021-09-09. Review status: criteria provided, single submitter. Criteria: Classification criteria August 2017. Collection method: clinical testing. Allele origin: germline. Inheritance: X-linked inheritance. Affected: yes. Observed: 1 variant allele.

Blueprint Genetics
Classification: Likely pathogenic for COL4A5-related disorders. Last evaluated: 2017-10-20. Review status: criteria provided, single submitter. Criteria: ACMG Guidelines, 2015. Collection method: clinical testing. Allele origin: germline. Affected: yes. Observed: 1 variant allele.

Literature cited by the submitters: PubMed 16199547 (cited by Labcorp Genetics (formerly Invitae), Labcorp); PubMed 9195222 (cited by Labcorp Genetics (formerly Invitae), Labcorp); PubMed 10752524 (cited by Labcorp Genetics (formerly Invitae), Labcorp); PubMed 14514738 (cited by Labcorp Genetics (formerly Invitae), Labcorp); PubMed 24854265 (cited by Labcorp Genetics (formerly Invitae), Labcorp); PubMed 26809805 (cited by Labcorp Genetics (formerly Invitae), Labcorp); PubMed 11462238 (cited by Labcorp Genetics (formerly Invitae), Labcorp); PubMed 36117978 (cited by Labcorp Genetics (formerly Invitae), Labcorp).